The following is an entry in ClinVar:

NM_017433.5(MYO3A):c.696C>G (p.Asp232Glu)

Gene: MYO3A (myosin IIIA; plus strand). Cytogenetic location: 10p12.1.
Variant type: single nucleotide variant.
Coding change: c.696C>G on transcript NM_017433.5 (MANE Select); coding-DNA position 696, C replaced by G.
Protein change: p.Asp232Glu; replaces aspartic acid 232 with glutamic acid.
Molecular consequence: missense variant.
Genome position (GRCh38, 1-based): chr10:26,021,613, C>G. VCF-style: chr10-26021613-C-G. GRCh37 (hg19) VCF-style: chr10-26310542-C-G.
Other names: c.696C>G, p.Asp232Glu (NM_001368265.1); short protein forms D232E.
Identifiers: ClinVar variation 4989465 (VCV004989465.1).

ClinVar aggregate classification (germline): Uncertain significance (1 of 4 stars; one submission).

Conditions:
MYO3A-related disorder. Also called: MYO3A-related condition.

gnomAD v4.1: 15 of 1,613,980 alleles (0.00093%); highest among the groups gnomAD compares: Admixed American, 0.025%; no homozygotes.

Submission:

PreventionGenetics, part of Exact Sciences
Classification: Uncertain significance for MYO3A-related condition. Last evaluated: 2026-02-24. Review status: criteria provided, single submitter. Criteria: ACMG Guidelines, 2015. Collection method: clinical testing. Allele origin: germline.
Comment: The MYO3A c.696C>G variant is predicted to result in the amino acid substitution p.Asp232Glu. To our knowledge, this variant has not been reported in the literature. This variant is reported in 0.035% of alleles in individuals of Latino descent in gnomAD. At this time, the clinical significance of this variant is uncertain due to the absence of conclusive functional and genetic evidence.